The following is an entry in ClinVar:

ClinVar aggregate classification (germline): Uncertain significance. Review status: criteria provided, multiple submitters, no conflicts (2 of 4 stars). 4 submissions from 4 submitters: Uncertain significance (4). Last evaluated 2024-03-12.

Allele frequency attached by ClinVar (database versions not stated): gnomAD 0.00004 and 0.00005; gnomAD exomes 0.00004 and 0.00009; TOPMed 0.00007; ExAC 0.00010; 1000 Genomes Project 30x 0.00016; 1000 Genomes Project 0.00020.
gnomAD v4.1: 74 of 1,612,072 alleles (0.0046%); highest among the groups gnomAD compares: Admixed American, 0.02%; no homozygotes.

Submissions (4):

GeneDx
Classification: Uncertain significance. Last evaluated: 2024-03-12. Review status: criteria provided, single submitter. Criteria: GeneDx Variant Classification Process June 2021. Collection method: clinical testing. Allele origin: germline. Affected: yes.
Comment: In silico analysis supports that this missense variant has a deleterious effect on protein structure/function; Has not been previously published as pathogenic or benign to our knowledge

Blueprint Genetics
Classification: Uncertain significance. Last evaluated: 2024-02-27. Review status: criteria provided, single submitter. Criteria: ACMG Guidelines, 2015. Collection method: clinical testing. Allele origin: germline.

Labcorp Genetics (formerly Invitae), Labcorp
Classification: Uncertain significance. Last evaluated: 2022-11-08. Review status: criteria provided, single submitter. Criteria: Invitae Variant Classification Sherloc (09022015). Collection method: clinical testing. Allele origin: germline.
Comment: In summary, the available evidence is currently insufficient to determine the role of this variant in disease. Therefore, it has been classified as a Variant of Uncertain Significance. Algorithms developed to predict the effect of missense changes on protein structure and function are either unavailable or do not agree on the potential impact of this missense change (SIFT: "Deleterious"; PolyPhen-2: "Probably Damaging"; Align-GVGD: "Class C0"). ClinVar contains an entry for this variant (Variation ID: 505379). This variant has not been reported in the literature in individuals affected with TRIOBP-related conditions. This variant is present in population databases (rs554837585, gnomAD 0.01%). This sequence change replaces arginine, which is basic and polar, with histidine, which is basic and polar, at codon 2259 of the TRIOBP protein (p.Arg2259His).

Laboratory for Molecular Medicine, Mass General Brigham Personalized Medicine
Classification: Uncertain significance. Last evaluated: 2020-02-19. Review status: criteria provided, single submitter. Criteria: ACMG Guidelines, 2015. Collection method: clinical testing. Allele origin: germline.
Comment: The p.Arg2259His variant in TRIOBP has not been previously reported in individuals with hearing loss, but it has been reported in 0.01% (17/12952) of European chromosomes by the Genome Aggregation Database (gnomAD; dbSNP rs554837585). Although this variant has been seen in the general population, its frequency is not high enough to rule out a pathogenic role. Computational prediction tools and conservation analysis do not provide strong support for or against an impact to the protein. In summary, the clinical significance of the p.Arg2259His variant is uncertain. ACMG/AMP criteria applied: PM2_Supporting

NM_001039141.3(TRIOBP):c.6776G>A (p.Arg2259His)

Gene: TRIOBP (TRIO and F-actin binding protein; plus strand). Cytogenetic location: 22q13.1.
Variant type: single nucleotide variant.
Coding change: c.6776G>A on transcript NM_001039141.3 (MANE Select); coding-DNA position 6776, G replaced by A.
Protein change: p.Arg2259His; replaces arginine 2259 with histidine.
Molecular consequence: missense variant.
Genome position (GRCh38, 1-based): chr22:37,769,302, G>A. VCF-style: chr22-37769302-G-A. GRCh37 (hg19) VCF-style: chr22-38165309-G-A.
Other names: c.1637G>A, p.Arg546His (NM_007032.5); short protein forms R2259H, R546H.
Identifiers: ClinVar variation 505379 (VCV000505379.16), dbSNP rs554837585, ClinGen allele CA10225187.